The following is an entry in ClinVar:

ClinVar aggregate classification (germline): Conflicting classifications of pathogenicity. Review status: criteria provided, conflicting classifications (1 of 4 stars). 3 submissions from 3 submitters: Uncertain significance (2); Likely benign (1). Last evaluated 2024-05-21.

Conditions:
Fanconi anemia (FA). Also called: Fanconi's anemia. Identifiers: Orphanet 84, MedGen C0015625, MeSH D005199, MONDO:0019391.
Spermatogenic failure 28. Identifiers: MedGen C4748117, MONDO:0054732, OMIM 618086.
Premature ovarian failure 15. Identifiers: MedGen C4748170, MONDO:0054862, OMIM 618096.

Allele frequency attached by ClinVar (database versions not stated): gnomAD 0.00001; TOPMed 0.00001.
gnomAD v4.1: 7 of 1,614,022 alleles (0.00043%); highest among the groups gnomAD compares: Middle Eastern, 0.016%; no homozygotes.

Submissions (3):

Fulgent Genetics
Classification: Uncertain significance for Spermatogenic failure 28; Premature ovarian failure 15. Last evaluated: 2024-05-21. Review status: criteria provided, single submitter. Criteria: ACMG Guidelines, 2015. Collection method: clinical testing. Allele origin: germline.

Labcorp Genetics (formerly Invitae), Labcorp
Classification: Uncertain significance for Fanconi anemia. Last evaluated: 2022-05-22. Review status: criteria provided, single submitter. Criteria: Invitae Variant Classification Sherloc (09022015). Collection method: clinical testing. Allele origin: germline.
Comment: ClinVar contains an entry for this variant (Variation ID: 859458). In summary, the available evidence is currently insufficient to determine the role of this variant in disease. Therefore, it has been classified as a Variant of Uncertain Significance. Algorithms developed to predict the effect of sequence changes on RNA splicing suggest that this variant may disrupt the consensus splice site. Algorithms developed to predict the effect of missense changes on protein structure and function output the following: SIFT: "Tolerated"; PolyPhen-2: "Benign"; Align-GVGD: "Class C0". The histidine amino acid residue is found in multiple mammalian species, which suggests that this missense change does not adversely affect protein function. This variant has not been reported in the literature in individuals affected with FANCM-related conditions. This variant is present in population databases (rs760421586, gnomAD 0.003%). This sequence change replaces arginine, which is basic and polar, with histidine, which is basic and polar, at codon 1719 of the FANCM protein (p.Arg1719His).

Blueprint Genetics
Classification: Likely benign. Last evaluated: 2021-10-20. Review status: criteria provided, single submitter. Criteria: ACMG Guidelines, 2015. Collection method: clinical testing. Allele origin: germline.

NM_020937.4(FANCM):c.5156G>A (p.Arg1719His)

Gene: FANCM (FA complementation group M; plus strand). Cytogenetic location: 14q21.2.
Variant type: single nucleotide variant.
Coding change: c.5156G>A on transcript NM_020937.4 (MANE Select); coding-DNA position 5156, G replaced by A.
Protein change: p.Arg1719His; replaces arginine 1719 with histidine.
Molecular consequence: missense variant.
Genome position (GRCh38, 1-based): chr14:45,189,178, G>A. VCF-style: chr14-45189178-G-A. GRCh37 (hg19) VCF-style: chr14-45658381-G-A.
Other names: c.5078G>A, p.Arg1693His (NM_001308133.2); short protein forms R1719H, R1693H.
Identifiers: ClinVar variation 859458 (VCV000859458.13), dbSNP rs760421586, ClinGen allele CA7169918.